The following is an entry in ClinVar:

NM_002764.4(PRPS1):c.908C>T (p.Thr303Ile)

Gene: PRPS1 (phosphoribosyl pyrophosphate synthetase 1; plus strand). Cytogenetic location: Xq22.3.
Variant type: single nucleotide variant.
Coding change: c.908C>T on transcript NM_002764.4 (MANE Select); coding-DNA position 908, C replaced by T.
Protein change: p.Thr303Ile; replaces threonine 303 with isoleucine.
Molecular consequence: missense variant.
Genome position (GRCh38, 1-based): chrX:107,649,983, C>T. VCF-style: chrX-107649983-C-T. GRCh37 (hg19) VCF-style: chrX-106893213-C-T.
Other names: c.296C>T, p.Thr99Ile (NM_001204402.2); short protein forms T303I, T99I.
Identifiers: ClinVar variation 1908282 (VCV001908282.6), dbSNP rs2521353910, ClinGen allele CA413816305.
Genomic context (GRCh38, chrX:107,649,983, plus strand): 5'-CTTTCTTGCCTTTCTAGGTGATTGACATCTCTATGATCCTTGCAGAAGCCATCAGGAGAA[C>T]TCACAATGGAGAATCCGTTTCTTACCTATTCAGCCATGTCCCTTTATAATAGAGTAACTT-3'
Protein context (NP_002755.1, residues 293-313): SMILAEAIRR[Thr303Ile]HNGESVSYLF

ClinVar aggregate classification (germline): Uncertain significance. Review status: criteria provided, multiple submitters, no conflicts (2 of 4 stars). 2 submissions from 2 submitters: Uncertain significance (2). Last evaluated 2023-05-02.

Conditions:
Charcot-Marie-Tooth Neuropathy X. Identifiers: MedGen CN118851.

Submissions (2):

GeneDx
Classification: Uncertain significance. Last evaluated: 2023-05-02. Review status: criteria provided, single submitter. Criteria: GeneDx Variant Classification Process June 2021. Collection method: clinical testing. Allele origin: germline. Affected: yes.
Comment: Not observed at significant frequency in large population cohorts (gnomAD); In silico analysis supports that this missense variant has a deleterious effect on protein structure/function; Has not been previously published as pathogenic or benign to our knowledge

Labcorp Genetics (formerly Invitae), Labcorp
Classification: Uncertain significance for Charcot-Marie-Tooth Neuropathy X. Last evaluated: 2022-06-23. Review status: criteria provided, single submitter. Criteria: Invitae Variant Classification Sherloc (09022015). Collection method: clinical testing. Allele origin: germline.
Comment: In summary, the available evidence is currently insufficient to determine the role of this variant in disease. Therefore, it has been classified as a Variant of Uncertain Significance. Algorithms developed to predict the effect of missense changes on protein structure and function (SIFT, PolyPhen-2, Align-GVGD) all suggest that this variant is likely to be tolerated. This variant has not been reported in the literature in individuals affected with PRPS1-related conditions. This variant is not present in population databases (gnomAD no frequency). This sequence change replaces threonine, which is neutral and polar, with isoleucine, which is neutral and non-polar, at codon 303 of the PRPS1 protein (p.Thr303Ile).